The following is an entry in ClinVar:

ClinVar aggregate classification (germline): Likely benign (1 of 4 stars; one submission).

Allele frequency attached by ClinVar (database versions not stated): gnomAD 0.01233 and 0.01331; 1000 Genomes Project 30x 0.01249; 1000 Genomes Project 0.01278; TOPMed 0.01396.
gnomAD v4.1: 3,297 of 1,331,980 alleles (0.25%); highest among the groups gnomAD compares: African/African-American, 4.6%; 69 homozygotes.

Submission:

GeneDx
Classification: Likely benign. Last evaluated: 2018-06-16. Review status: criteria provided, single submitter. Criteria: GeneDx Variant Classification (06012015). Collection method: clinical testing. Allele origin: germline. Affected: yes.
Comment: This variant is considered likely benign or benign based on one or more of the following criteria: it is a conservative change, it occurs at a poorly conserved position in the protein, it is predicted to be benign by multiple in silico algorithms, and/or has population frequency not consistent with disease.

NM_020975.6(RET):c.73+104C>T

Gene: RET (ret proto-oncogene; plus strand). Cytogenetic location: 10q11.21.
Variant type: single nucleotide variant.
Coding change: c.73+104C>T on transcript NM_020975.6 (MANE Select); 104 bases into the intron after coding-DNA position 73, C replaced by T.
Molecular consequence: intron variant.
Genome position (GRCh38, 1-based): chr10:43,077,435, C>T. VCF-style: chr10-43077435-C-T. GRCh37 (hg19) VCF-style: chr10-43572883-C-T.
Other names: c.73+104C>T (NM_020630.7, NM_001406743.1, NM_001406744.1 and 36 more transcripts).
Identifiers: ClinVar variation 676894 (VCV000676894.3), dbSNP rs111514357, ClinGen allele CA206710344.